The following is an entry in ClinVar:

NM_004360.5(CDH1):c.1778C>G (p.Pro593Arg)

Gene: CDH1 (cadherin 1; plus strand). Cytogenetic location: 16q22.1.
Variant type: single nucleotide variant.
Coding change: c.1778C>G on transcript NM_004360.5 (MANE Select); coding-DNA position 1778, C replaced by G.
Protein change: p.Pro593Arg; replaces proline 593 with arginine.
Molecular consequence: missense variant. On other transcripts: 5 prime UTR variant (1).
Genome position (GRCh38, 1-based): chr16:68,822,067, C>G. VCF-style: chr16-68822067-C-G. GRCh37 (hg19) VCF-style: chr16-68855970-C-G.
Other names: c.1595C>G, p.Pro532Arg (NM_001317184.2); c.230C>G, p.Pro77Arg (NM_001317185.2); c.-188C>G (NM_001317186.2); short protein forms P593R, P532R, P77R.
Identifiers: ClinVar variation 630801 (VCV000630801.13), dbSNP rs1567512288, ClinGen allele CA396466601.

ClinVar aggregate classification (germline): Uncertain significance. Review status: criteria provided, multiple submitters, no conflicts (2 of 4 stars). 2 submissions from 2 submitters: Uncertain significance (2). Last evaluated 2025-08-09.

Conditions:
Hereditary diffuse gastric adenocarcinoma (HDGC). Also called: DIFFUSE GASTRIC AND LOBULAR BREAST CANCER SYNDROME. Identifiers: Orphanet 26106, MedGen C1708349, MONDO:0007648, OMIM 137215.
Hereditary cancer-predisposing syndrome. Also called: Hereditary Cancer Syndrome; Neoplastic Syndromes, Hereditary; Tumor predisposition; Hereditary neoplastic syndrome. Identifiers: Orphanet 140162, MedGen C0027672, MeSH D009386, MONDO:0015356.

Submissions (2):

Labcorp Genetics (formerly Invitae), Labcorp
Classification: Uncertain significance for Hereditary diffuse gastric adenocarcinoma. Last evaluated: 2025-08-09. Review status: criteria provided, single submitter. Criteria: Invitae Variant Classification Sherloc (09022015). Collection method: clinical testing. Allele origin: germline.
Comment: This sequence change replaces proline, which is neutral and non-polar, with arginine, which is basic and polar, at codon 593 of the CDH1 protein (p.Pro593Arg). This variant is not present in population databases (gnomAD no frequency). This variant has not been reported in the literature in individuals affected with CDH1-related conditions. ClinVar contains an entry for this variant (Variation ID: 630801). An algorithm developed to predict the effect of missense changes on protein structure and function (PolyPhen-2) suggests that this variant is likely to be disruptive. In summary, the available evidence is currently insufficient to determine the role of this variant in disease. Therefore, it has been classified as a Variant of Uncertain Significance.

Color Diagnostics, LLC DBA Color Health
Classification: Uncertain significance for Hereditary cancer-predisposing syndrome. Last evaluated: 2023-12-05. Review status: criteria provided, single submitter. Criteria: ACMG Guidelines, 2015. Collection method: clinical testing. Allele origin: germline.
Comment: This missense variant replaces proline with arginine at codon 593 of the CDH1 protein. To our knowledge, functional studies have not been reported for this variant. This variant has not been reported in individuals affected with CDH1-related disorders in the literature. This variant has not been identified in the general population by the Genome Aggregation Database (gnomAD). The available evidence is insufficient to determine the role of this variant in disease conclusively. Therefore, this variant is classified as a Variant of Uncertain Significance.